The following is an entry in ClinVar:

ClinVar aggregate classification (germline): Uncertain significance (1 of 4 stars; one submission).

Submission:

GeneDx
Classification: Uncertain significance. Last evaluated: 2024-02-13. Review status: criteria provided, single submitter. Criteria: GeneDx Variant Classification Process June 2021. Collection method: clinical testing. Allele origin: germline. Affected: yes.
Comment: Not observed at significant frequency in large population cohorts (gnomAD); In silico analysis supports that this missense variant has a deleterious effect on protein structure/function; Has not been previously published as pathogenic or benign to our knowledge

NM_000719.7(CACNA1C):c.1091G>A (p.Gly364Asp)

Gene: CACNA1C (calcium voltage-gated channel subunit alpha1 C; plus strand). Cytogenetic location: 12p13.33.
Variant type: single nucleotide variant.
Coding change: c.1091G>A on transcript NM_000719.7 (MANE Select); coding-DNA position 1091, G replaced by A.
Protein change: p.Gly364Asp; replaces glycine 364 with aspartic acid.
Molecular consequence: missense variant.
Genome position (GRCh38, 1-based): chr12:2,493,364, G>A. VCF-style: chr12-2493364-G-A. GRCh37 (hg19) VCF-style: chr12-2602530-G-A.
Other names: c.1091G>A, p.Gly364Asp (NM_001129827.2, NM_001129829.2, NM_001129830.3 and 18 more transcripts); c.1082G>A, p.Gly361Asp (NM_001129844.2); short protein forms G361D, G364D.
Identifiers: ClinVar variation 3368917 (VCV003368917.1).